The following is an entry in ClinVar:

NM_001849.3(COL6A2):c.-91_3071dup

Genes: COL6A2 (collagen type VI alpha 2 chain; plus strand), LOC121853033 (Sharpr-MPRA regulatory region 12001; plus strand). Cytogenetic location: 21q22.3.
Variant type: Duplication.
Coding change: c.-91_3071dup on transcript NM_001849.3; 91 bases upstream of the start codon through coding-DNA position 3071, this stretch duplicated.
Other names: c.-91_3071dup (LRG_476t1).
Identifiers: ClinVar variation 654836 (VCV000654836.1).

ClinVar aggregate classification (germline): Uncertain significance (1 of 4 stars; one submission).

Conditions:
Bethlem myopathy 1A. Also called: Bethlem Muscular Dystrophy; Bethlem myopathy 1; MYOPATHY, BENIGN CONGENITAL, WITH CONTRACTURES. Identifiers: Orphanet 610, MedGen CN029274, MONDO:0024530, OMIM 158810.

Submission:

Labcorp Genetics (formerly Invitae), Labcorp
Classification: Uncertain significance for Bethlem myopathy 1. Last evaluated: 2018-12-11. Review status: criteria provided, single submitter. Criteria: Invitae Variant Classification Sherloc (09022015). Collection method: clinical testing. Allele origin: germline.
Comment: This variant results in a copy number gain of the genomic region encompassing the full coding sequence of the COL6A2 gene. The boundaries of this event are unknown as they extend beyond the assayed region for this gene and therefore may encompass additional genes. As the precise location of this event is unknown, it may be in tandem or it may be located elsewhere in the genome. This variant has not been reported in the literature in individuals with COL6A2-related conditions. In summary, the available evidence is currently insufficient to determine the role of this variant in disease. Therefore, it has been classified as a Variant of Uncertain Significance.